The following is an entry in ClinVar:

NM_000535.7(PMS2):c.1003A>G (p.Asn335Asp)

Gene: PMS2 (PMS1 homolog 2, mismatch repair system component; minus strand). Cytogenetic location: 7p22.1.
Variant type: single nucleotide variant.
Coding change: c.1003A>G on transcript NM_000535.7 (MANE Select); coding-DNA position 1003, A replaced by G.
Protein change: p.Asn335Asp; replaces asparagine 335 with aspartic acid.
Molecular consequence: missense variant. On other transcripts: non-coding transcript variant (1), intron variant (2).
Genome position (GRCh38, 1-based): chr7:5,989,941, T>C on the plus strand (A>G on the coding strand, the complement: PMS2 is on the minus strand). VCF-style: chr7-5989941-T-C. GRCh37 (hg19) VCF-style: chr7-6029572-T-C.
Other names: c.598A>G, p.Asn200Asp (NM_001322003.2, NM_001322004.2, NM_001322005.2 and 1 more transcripts); c.685A>G, p.Asn229Asp (NM_001322007.2, NM_001322008.2); c.70A>G, p.Asn24Asp (NM_001322011.2, NM_001322012.2); c.430A>G, p.Asn144Asp (NM_001322013.2); c.1003A>G, p.Asn335Asp (NM_001322014.2); c.694A>G, p.Asn232Asp (NM_001322015.2); c.583+2032A>G (NM_001322010.2); c.988+2032A>G (NM_001322006.2); short protein forms N232D, N335D, N144D, N200D, N24D, N229D.
Identifiers: ClinVar variation 928407 (VCV000928407.3), dbSNP rs1783551937, ClinGen allele CA366743010.
Genomic context (GRCh38, chr7:5,989,941, plus strand): 5'-AAACTGCCAACAAAAGCTTTTCCTCTTGTAGCAAAATTTGCCTTTTATCTGGAGTAACAT[T>C]GATATCAACGCATTCTAAGGCAAAAAAGAAAACATATTTATTATGTTTAAATTCACTTTT-3'
Protein context (NP_000526.2, residues 325-345): ISVDSECVDI[Asn335Asp]VTPDKRQILL

ClinVar aggregate classification (germline): Uncertain significance (1 of 4 stars; one submission).

Conditions:
Hereditary cancer-predisposing syndrome. Also called: Neoplastic Syndromes, Hereditary; Hereditary Cancer Syndrome; Tumor predisposition; Hereditary neoplastic syndrome. Identifiers: Orphanet 140162, MedGen C0027672, MeSH D009386, MONDO:0015356.

Submission:

Color Diagnostics, LLC DBA Color Health
Classification: Uncertain significance for Hereditary cancer-predisposing syndrome. Last evaluated: 2019-08-01. Review status: criteria provided, single submitter. Criteria: ACMG Guidelines, 2015. Collection method: clinical testing. Allele origin: germline.
Comment: This missense variant replaces asparagine with aspartic acid at codon 335 of the PMS2 protein. Computational prediction tools and conservation analyses suggest that this variant may have deleterious impact on the protein function. Computational splicing tools suggest that this variant may not impact RNA splicing. To our knowledge, functional assays have not been performed for this variant nor has this variant been reported in individuals affected with hereditary cancer in the literature. This variant has not been identified in the general population by the Genome Aggregation Database (gnomAD). Available evidence is insufficient to determine the role of this variant in disease conclusively. Therefore, this variant is classified as a Variant of Uncertain Significance.